The following is an entry in ClinVar:

ClinVar aggregate classification (germline): Uncertain significance. Review status: criteria provided, multiple submitters, no conflicts (2 of 4 stars). 2 submissions from 2 submitters: Uncertain significance (2). Last evaluated 2025-12-23.

Conditions:
Inborn genetic diseases. Identifiers: MedGen C0950123, MeSH D030342.

Allele frequency attached by ClinVar (database versions not stated): gnomAD 0.00001; TOPMed 0.00001; ExAC 0.00002.
gnomAD v4.1: 21 of 1,590,492 alleles (0.0013%); highest among the groups gnomAD compares: African/African-American, 0.0067%; 2 homozygotes.

Submissions (2):

Labcorp Genetics (formerly Invitae), Labcorp
Classification: Uncertain significance. Last evaluated: 2025-12-23. Review status: criteria provided, single submitter. Criteria: Invitae Variant Classification Sherloc (09022015). Collection method: clinical testing. Allele origin: germline.
Comment: This sequence change replaces proline, which is neutral and non-polar, with leucine, which is neutral and non-polar, at codon 1485 of the KMT2B protein (p.Pro1485Leu). The frequency data for this variant in the population databases is considered unreliable, as metrics indicate poor data quality at this position in the gnomAD database. This variant has not been reported in the literature in individuals affected with KMT2B-related conditions. ClinVar contains an entry for this variant (Variation ID: 1936899). Invitae Evidence Modeling of protein sequence and biophysical properties (such as structural, functional, and spatial information, amino acid conservation, physicochemical variation, residue mobility, and thermodynamic stability) indicates that this missense variant is not expected to disrupt KMT2B protein function with a negative predictive value of 95%. In summary, the available evidence is currently insufficient to determine the role of this variant in disease. Therefore, it has been classified as a Variant of Uncertain Significance.

Ambry Genetics
Classification: Uncertain significance for Inborn genetic diseases. Last evaluated: 2025-10-24. Review status: criteria provided, single submitter. Criteria: Ambry Variant Classification Scheme 2023. Collection method: clinical testing. Allele origin: germline.

NM_014727.3(KMT2B):c.4454C>T (p.Pro1485Leu)

Gene: KMT2B (lysine methyltransferase 2B; plus strand). Cytogenetic location: 19q13.12.
Variant type: single nucleotide variant.
Coding change: c.4454C>T on transcript NM_014727.3 (MANE Select); coding-DNA position 4454, C replaced by T.
Protein change: p.Pro1485Leu; replaces proline 1485 with leucine.
Molecular consequence: missense variant.
Genome position (GRCh38, 1-based): chr19:35,727,942, C>T. VCF-style: chr19-35727942-C-T. GRCh37 (hg19) VCF-style: chr19-36218843-C-T.
Other names: c.4454C>T (NM_014727.1); short protein forms P1485L.
Identifiers: ClinVar variation 1936899 (VCV001936899.6), dbSNP rs569194163, ClinGen allele CA9385095.